The following is an entry in ClinVar:

NM_016507.4(CDK12):c.4146C>G (p.His1382Gln)

Gene: CDK12 (cyclin dependent kinase 12; plus strand). Cytogenetic location: 17q12.
Variant type: single nucleotide variant.
Coding change: c.4146C>G on transcript NM_016507.4 (MANE Select); coding-DNA position 4146, C replaced by G.
Protein change: p.His1382Gln; replaces histidine 1382 with glutamine.
Molecular consequence: missense variant.
Genome position (GRCh38, 1-based): chr17:39,530,989, C>G. VCF-style: chr17-39530989-C-G. GRCh37 (hg19) VCF-style: chr17-37687242-C-G.
Other names: c.4119C>G, p.His1373Gln (NM_015083.4); short protein forms H1382Q, H1373Q.
Identifiers: ClinVar variation 3489197 (VCV003489197.1).

ClinVar aggregate classification (germline): Uncertain significance (1 of 4 stars; one submission).

Submission:

Ambry Genetics
Classification: Uncertain significance. Last evaluated: 2024-11-18. Review status: criteria provided, single submitter. Criteria: Ambry Variant Classification Scheme 2023. Collection method: clinical testing. Allele origin: germline.
Comment: The p.H1382Q variant (also known as c.4146C>G), located in coding exon 14 of the CDK12 gene, results from a C to G substitution at nucleotide position 4146. The histidine at codon 1382 is replaced by glutamine, an amino acid with highly similar properties. This amino acid position is conserved. In addition, this alteration is predicted to be tolerated by in silico analysis. Based on the available evidence, the clinical significance of this variant remains unclear.